The following is an entry in ClinVar:

ClinVar aggregate classification (germline): Benign. Review status: criteria provided, multiple submitters, no conflicts (2 of 4 stars). 6 submissions from 6 submitters: Benign (6). Last evaluated 2026-02-04.

Allele frequency attached by ClinVar (database versions not stated): 1000 Genomes Project 0.15315; 1000 Genomes Project 30x 0.15365; TOPMed 0.24209; gnomAD 0.25853 and 0.26092; ESP Exome Variant Server 0.28264; gnomAD exomes 0.28528 and 0.34941; ExAC 0.28921.

Submissions (6):

Labcorp Genetics (formerly Invitae), Labcorp
Classification: Benign. Last evaluated: 2026-02-04. Review status: criteria provided, single submitter. Criteria: Invitae Variant Classification Sherloc (09022015). Collection method: clinical testing. Allele origin: germline.

Women's Health and Genetics/Laboratory Corporation of America, LabCorp
Classification: Benign. Last evaluated: 2026-01-21. Review status: criteria provided, single submitter. Criteria: LabCorp Variant Classification Summary - May 2015. Collection method: clinical testing. Allele origin: germline.

Blueprint Genetics
Classification: Benign. Last evaluated: 2024-11-28. Review status: criteria provided, single submitter. Criteria: ACMG Guidelines, 2015. Collection method: clinical testing. Allele origin: germline.

Unidad de Genómica Garrahan, Hospital de Pediatría Garrahan
Classification: Benign. Last evaluated: 2024-01-24. Review status: criteria provided, single submitter. Criteria: ACMG Guidelines, 2015. Collection method: clinical testing. Allele origin: germline. Affected: no. Observed: 33 variant alleles.
Comment: This variant is classified as Benign based on local population frequency. This variant was detected in 35% of patients studied by a panel of primary immunodeficiencies. Number of patients: 33. Only high quality variants are reported.

Mayo Clinic Laboratories, Mayo Clinic
Classification: Benign. Last evaluated: 2022-09-06. Review status: criteria provided, single submitter. Criteria: ACMG Guidelines, 2015. Collection method: clinical testing. Allele origin: germline. Observed: 50 variant alleles.

Breakthrough Genomics
Classification: Benign. Review status: criteria provided, single submitter. Criteria: ACMG Guidelines, 2015. Collection method: not provided. Allele origin: germline. Inheritance: Autosomal recessive inheritance. Affected: yes.

NM_015122.3(FCHO1):c.1351+7G>A

Gene: FCHO1 (FCH and mu domain containing endocytic adaptor 1; plus strand). Cytogenetic location: 19p13.11.
Variant type: single nucleotide variant.
Coding change: c.1351+7G>A on transcript NM_015122.3 (MANE Select); 7 bases into the intron after coding-DNA position 1351, G replaced by A.
Molecular consequence: intron variant.
Genome position (GRCh38, 1-based): chr19:17,778,235, G>A. VCF-style: chr19-17778235-G-A. GRCh37 (hg19) VCF-style: chr19-17889044-G-A.
Other names: p.?; c.1351+7G>A (NM_001384370.1, NM_001384396.1, NM_001384404.1 and 25 more transcripts); c.1276+7G>A (NM_001384390.1); c.1201+7G>A (NM_001384406.1, NM_001384384.1, NM_001384385.1 and 2 more transcripts); c.1057+1964G>A (NM_001384407.1); c.1306+7G>A (NM_001384403.1); c.1312+7G>A (NM_001384388.1, NM_001384405.1, NM_001384389.1).
Identifiers: ClinVar variation 1164352 (VCV001164352.15), dbSNP rs34062212, ClinGen allele CA9300492.
Genomic context (GRCh38, chr19:17,778,235, plus strand): 5'-AGAACCTCTTTGGGCCGCCCCTGGAGTCAGCCTTTGACCACGAAGATTTTACAGGTGATG[G>A]GGATAAGGGATTGGAGGGCATGGGTGTGGCCGGAGGGAGGTTGGGTGGGGCCATTGCAGA-3'